The following is an entry in ClinVar:

ClinVar aggregate classification (germline): Uncertain significance (1 of 4 stars; one submission).

Conditions:
Autosomal recessive severe congenital neutropenia due to CSF3R deficiency. Also called: Neutropenia, severe congenital, 7, autosomal recessive. Identifiers: Orphanet 420702, MedGen C4310764, MONDO:0014865, OMIM 617014.

Allele frequency attached by ClinVar (database versions not stated): gnomAD exomes 0.00001.
gnomAD v4.1: 5 of 1,614,124 alleles (0.00031%); highest among the groups gnomAD compares: South Asian, 0.0011%; no homozygotes.

Submission:

Labcorp Genetics (formerly Invitae), Labcorp
Classification: Uncertain significance for Autosomal recessive severe congenital neutropenia due to CSF3R deficiency. Last evaluated: 2022-10-04. Review status: criteria provided, single submitter. Criteria: Invitae Variant Classification Sherloc (09022015). Collection method: clinical testing. Allele origin: germline.
Comment: In summary, the available evidence is currently insufficient to determine the role of this variant in disease. Therefore, it has been classified as a Variant of Uncertain Significance. Algorithms developed to predict the effect of missense changes on protein structure and function (SIFT, PolyPhen-2, Align-GVGD) all suggest that this variant is likely to be disruptive. ClinVar contains an entry for this variant (Variation ID: 1361221). This variant has not been reported in the literature in individuals affected with CSF3R-related conditions. This variant is not present in population databases (gnomAD no frequency). This sequence change replaces arginine, which is basic and polar, with cysteine, which is neutral and slightly polar, at codon 77 of the CSF3R protein (p.Arg77Cys).

NM_000760.4(CSF3R):c.229C>T (p.Arg77Cys)

Gene: CSF3R (colony stimulating factor 3 receptor; minus strand). Cytogenetic location: 1p34.3.
Variant type: single nucleotide variant.
Coding change: c.229C>T on transcript NM_000760.4 (MANE Select); coding-DNA position 229, C replaced by T.
Protein change: p.Arg77Cys; replaces arginine 77 with cysteine.
Molecular consequence: missense variant.
Genome position (GRCh38, 1-based): chr1:36,475,509, G>A on the plus strand (C>T on the coding strand, the complement: CSF3R is on the minus strand). VCF-style: chr1-36475509-G-A. GRCh37 (hg19) VCF-style: chr1-36941110-G-A.
Other names: c.229C>T, p.Arg77Cys (NM_156039.3, NM_172313.3); short protein forms R77C.
Identifiers: ClinVar variation 1361221 (VCV001361221.8), dbSNP rs2124136605, ClinGen allele CA339424919.
Genomic context (GRCh38, chr1:36,475,509, plus strand): 5'-CCTGAGTGTGGTTGAGGTGGGGCAGGGTGATGATAGATTCCTGGGTCCCATCAGACAGAC[G>A]CTGCTGCCTGCCCCCGGGCTGAAGCTCTGCTCCCAGTCTCCACAGAATCTGTGGCTCCGG-3'
Protein context (NP_000751.1, residues 67-87): AELQPGGRQQ[Arg77Cys]LSDGTQESII